The following is an entry in ClinVar:

ClinVar aggregate classification (germline): Uncertain significance (1 of 4 stars; one submission).

Conditions:
Mowat-Wilson syndrome (MOWS). Also called: Classic Mowat-Wilson Syndrome. Identifiers: Orphanet 2152, MedGen C1856113, MONDO:0009341, OMIM 235730.

Submission:

Labcorp Genetics (formerly Invitae), Labcorp
Classification: Uncertain significance for Mowat-Wilson syndrome. Last evaluated: 2025-06-22. Review status: criteria provided, single submitter. Criteria: Invitae Variant Classification Sherloc (09022015). Collection method: clinical testing. Allele origin: germline.
Comment: This sequence change replaces cysteine, which is neutral and slightly polar, with arginine, which is basic and polar, at codon 140 of the ZEB2 protein (p.Cys140Arg). This variant is not present in population databases (gnomAD no frequency). This variant has not been reported in the literature in individuals affected with ZEB2-related conditions. Invitae Evidence Modeling of protein sequence and biophysical properties (such as structural, functional, and spatial information, amino acid conservation, physicochemical variation, residue mobility, and thermodynamic stability) indicates that this missense variant is expected to disrupt ZEB2 protein function with a positive predictive value of 80%. In summary, the available evidence is currently insufficient to determine the role of this variant in disease. Therefore, it has been classified as a Variant of Uncertain Significance.

NM_014795.4(ZEB2):c.418T>C (p.Cys140Arg)

Gene: ZEB2 (zinc finger E-box binding homeobox 2; minus strand). Cytogenetic location: 2q22.3.
Variant type: single nucleotide variant.
Coding change: c.418T>C on transcript NM_014795.4 (MANE Select); coding-DNA position 418, T replaced by C.
Protein change: p.Cys140Arg; replaces cysteine 140 with arginine.
Molecular consequence: missense variant.
Genome position (GRCh38, 1-based): chr2:144,405,010, A>G on the plus strand (T>C on the coding strand, the complement: ZEB2 is on the minus strand). VCF-style: chr2-144405010-A-G. GRCh37 (hg19) VCF-style: chr2-145162577-A-G.
Other names: c.346T>C, p.Cys116Arg (NM_001171653.2); short protein forms C116R, C140R.
Identifiers: ClinVar variation 4803988 (VCV004803988.1).